The following is an entry in ClinVar:

ClinVar aggregate classification (germline): Uncertain significance (1 of 4 stars; one submission).

Conditions:
Cone-rod dystrophy 6 (CORD6). Also called: RETINAL CONE DYSTROPHY 2; Cone dystrophy progressive. Identifiers: Orphanet 1872, MedGen C1866293, MONDO:0011143, OMIM 601777.
Leber congenital amaurosis 1 (LCA1). Also called: AMAUROSIS CONGENITA OF LEBER I; Congenital absence of the rods and cones; Leber's congenital tapetoretinal degeneration; Leber's congenital tapetoretinal dysplasia; RETINAL BLINDNESS, CONGENITAL. Identifiers: Orphanet 65, MedGen C2931258, MONDO:0008764, OMIM 204000.

Submission:

Labcorp Genetics (formerly Invitae), Labcorp
Classification: Uncertain significance for Leber congenital amaurosis 1; Cone-rod dystrophy 6. Last evaluated: 2022-09-24. Review status: criteria provided, single submitter. Criteria: Invitae Variant Classification Sherloc (09022015). Collection method: clinical testing. Allele origin: germline.
Comment: This variant has not been reported in the literature in individuals affected with GUCY2D-related conditions. This sequence change replaces threonine, which is neutral and polar, with arginine, which is basic and polar, at codon 623 of the GUCY2D protein (p.Thr623Arg). This variant is present in population databases (rs370742162, gnomAD no frequency). Advanced modeling of protein sequence and biophysical properties (such as structural, functional, and spatial information, amino acid conservation, physicochemical variation, residue mobility, and thermodynamic stability) performed at Invitae indicates that this missense variant is not expected to disrupt GUCY2D protein function. In summary, the available evidence is currently insufficient to determine the role of this variant in disease. Therefore, it has been classified as a Variant of Uncertain Significance.

NM_000180.4(GUCY2D):c.1868C>G (p.Thr623Arg)

Gene: GUCY2D (guanylate cyclase 2D, retinal; plus strand). Cytogenetic location: 17p13.1.
Variant type: single nucleotide variant.
Coding change: c.1868C>G on transcript NM_000180.4 (MANE Select); coding-DNA position 1868, C replaced by G.
Protein change: p.Thr623Arg; replaces threonine 623 with arginine.
Molecular consequence: missense variant.
Genome position (GRCh38, 1-based): chr17:8,012,262, C>G. VCF-style: chr17-8012262-C-G. GRCh37 (hg19) VCF-style: chr17-7915580-C-G.
Other names: short protein forms T623R.
Identifiers: ClinVar variation 1717274 (VCV001717274.5), dbSNP rs370742162, ClinGen allele CA8365920.